The following is an entry in ClinVar:

NM_015409.5(EP400):c.4068C>T (p.Ser1356=)

Gene: EP400 (E1A binding protein p400; plus strand). Cytogenetic location: 12q24.33.
Variant type: single nucleotide variant.
Coding change: c.4068C>T on transcript NM_015409.5 (MANE Select); coding-DNA position 4068, C replaced by T.
Protein change: p.Ser1356=; no amino-acid change (serine 1356 retained).
Molecular consequence: synonymous variant.
Genome position (GRCh38, 1-based): chr12:132,017,679, C>T. VCF-style: chr12-132017679-C-T. GRCh37 (hg19) VCF-style: chr12-132502224-C-T.
Identifiers: ClinVar variation 3040283 (VCV003040283.2), dbSNP rs149517050, ClinGen allele CA6885574.
Genomic context (GRCh38, chr12:132,017,679, plus strand): 5'-GCTCGTCGAGCCCCGGCACCCAGGCTCTTCCTACGTGGCGGGGCCACTGGAGTATCCGTC[C>T]GCATCTCTAATCCTGAAGGCACTGGAGAGAGATTTCTGGAAGGTAAGTGGAGGATCCAGA-3'
Protein context (NP_056224.3, residues 1346-1366): SYVAGPLEYP[Ser1356=]ASLILKALER

ClinVar aggregate classification (germline): Likely benign (0 of 4 stars; one submission).

Conditions:
EP400-related disorder. Also called: EP400-related condition.

Allele frequency attached by ClinVar (database versions not stated): gnomAD exomes 0.00004; TOPMed 0.00027; 1000 Genomes Project 30x 0.00031; ExAC 0.00008; ESP Exome Variant Server 0.00015; gnomAD 0.00019; 1000 Genomes Project 0.00020.
gnomAD v4.1: 81 of 1,570,600 alleles (0.0052%); highest among the groups gnomAD compares: African/African-American, 0.079%; no homozygotes.

Submission:

PreventionGenetics, part of Exact Sciences
Classification: Likely benign for EP400-related condition. Last evaluated: 2019-09-10. Review status: no assertion criteria provided. Collection method: clinical testing. Allele origin: germline.
Comment: This variant is classified as likely benign based on ACMG/AMP sequence variant interpretation guidelines (Richards et al. 2015 PMID: 25741868, with internal and published modifications).